The following is an entry in ClinVar:

ClinVar aggregate classification (germline): Conflicting classifications of pathogenicity. Review status: criteria provided, conflicting classifications (1 of 4 stars). 2 submissions from 2 submitters: Uncertain significance (1); Likely benign (1). Last evaluated 2025-11-03.

Conditions:
Ehlers-Danlos syndrome, classic type, 1 (EDSCL1). Also called: EHLERS-DANLOS SYNDROME, GRAVIS TYPE; EHLERS-DANLOS SYNDROME, SEVERE CLASSIC TYPE; EDS I; Ehlers-Danlos Syndrome, Classic Type, COL5A1-Related; Ehlers-Danlos syndrome, type 1. Identifiers: MedGen C0268335, MONDO:0019567, OMIM 130000.

Allele frequency attached by ClinVar (database versions not stated): TOPMed 0.00003.
gnomAD v4.1: 13 of 1,614,000 alleles (0.00081%); highest among the groups gnomAD compares: Admixed American, 0.0067%; no homozygotes.

Submissions (2):

Labcorp Genetics (formerly Invitae), Labcorp
Classification: Likely benign for Ehlers-Danlos syndrome, classic type, 1. Last evaluated: 2025-11-03. Review status: criteria provided, single submitter. Criteria: Invitae Variant Classification Sherloc (09022015). Collection method: clinical testing. Allele origin: germline.

GeneDx
Classification: Uncertain significance. Last evaluated: 2019-10-01. Review status: criteria provided, single submitter. Criteria: GeneDx Variant Classification Process June 2021. Collection method: clinical testing. Allele origin: germline. Affected: yes.
Comment: Has not been previously published as pathogenic or benign to our knowledge; Not observed at a significant frequency in large population cohorts (Lek et al., 2016); In silico analysis, which includes protein predictors and evolutionary conservation, supports a deleterious effect; Not located in the triple helical region, where the majority of pathogenic missense variants occur (Symoens et al., 2012; Stenson et al., 2014)

NM_000093.5(COL5A1):c.4892C>A (p.Thr1631Lys)

Genes: COL5A1 (collagen type V alpha 1 chain; plus strand), LOC101448202 (uncharacterized LOC101448202; minus strand). Cytogenetic location: 9q34.3.
Variant type: single nucleotide variant.
Coding change: c.4892C>A on transcript NM_000093.5 (MANE Select); coding-DNA position 4892, C replaced by A.
Protein change: p.Thr1631Lys; replaces threonine 1631 with lysine.
Molecular consequence: missense variant.
Genome position (GRCh38, 1-based): chr9:134,824,793, C>A. VCF-style: chr9-134824793-C-A. GRCh37 (hg19) VCF-style: chr9-137716639-C-A.
Other names: c.4892C>A, p.Thr1631Lys (NM_001278074.1); short protein forms T1631K.
Identifiers: ClinVar variation 1001314 (VCV001001314.12), dbSNP rs764446683, ClinGen allele CA201100742.